The following is an entry in ClinVar:

NM_000548.5(TSC2):c.2470C>T (p.Pro824Ser)

Gene: TSC2 (TSC complex subunit 2; plus strand). Cytogenetic location: 16p13.3.
Variant type: single nucleotide variant.
Coding change: c.2470C>T on transcript NM_000548.5 (MANE Select); coding-DNA position 2470, C replaced by T.
Protein change: p.Pro824Ser; replaces proline 824 with serine.
Molecular consequence: missense variant.
Genome position (GRCh38, 1-based): chr16:2,074,314, C>T. VCF-style: chr16-2074314-C-T. GRCh37 (hg19) VCF-style: chr16-2124315-C-T.
Other names: c.2470C>T, p.Pro824Ser (NM_001077183.3, NM_001114382.3, NM_001363528.2 and 3 more transcripts); c.2359C>T, p.Pro787Ser (NM_001318827.2); c.2323C>T, p.Pro775Ser (NM_001318829.2); c.1870C>T, p.Pro624Ser (NM_001318831.2); c.2503C>T, p.Pro835Ser (NM_001318832.2); c.2470C>T (NM_000548.4); short protein forms P824S, P835S, P775S, P624S, P787S.
Identifiers: ClinVar variation 646188 (VCV000646188.12), dbSNP rs1596356675, ClinGen allele CA394277628.

ClinVar aggregate classification (germline): Uncertain significance. Review status: criteria provided, multiple submitters, no conflicts (2 of 4 stars). 3 submissions from 3 submitters: Uncertain significance (3). Last evaluated 2025-03-16.

Conditions:
Hereditary cancer-predisposing syndrome. Also called: Neoplastic Syndromes, Hereditary; Hereditary Cancer Syndrome; Hereditary neoplastic syndrome; Tumor predisposition. Identifiers: Orphanet 140162, MedGen C0027672, MeSH D009386, MONDO:0015356.
Tuberous sclerosis 2 (TSC2). Identifiers: Orphanet 805, MedGen C1860707, MONDO:0013199, OMIM 613254.

Allele frequency attached by ClinVar (database versions not stated): gnomAD exomes below 0.00001.
gnomAD v4.1: 1 of 1,613,068 alleles (0.000062%); highest among the groups gnomAD compares: Non-Finnish European, 0.000085%; no homozygotes.

Submissions (3):

Ambry Genetics
Classification: Uncertain significance for Hereditary cancer-predisposing syndrome. Last evaluated: 2025-03-16. Review status: criteria provided, single submitter. Criteria: Ambry Variant Classification Scheme 2023. Collection method: clinical testing. Allele origin: germline.
Comment: The p.P824S variant (also known as c.2470C>T), located in coding exon 21 of the TSC2 gene, results from a C to T substitution at nucleotide position 2470. The proline at codon 824 is replaced by serine, an amino acid with similar properties. This amino acid position is conserved. In addition, this alteration is predicted to be deleterious by in silico analysis. Based on the available evidence, the clinical significance of this variant remains unclear.

Women's Health and Genetics/Laboratory Corporation of America, LabCorp
Classification: Uncertain significance. Last evaluated: 2023-03-03. Review status: criteria provided, single submitter. Criteria: LabCorp Variant Classification Summary - May 2015. Collection method: clinical testing. Allele origin: germline.
Comment: Variant summary: TSC2 c.2470C>T (p.Pro824Ser) results in a non-conservative amino acid change located in the tuberin-type domain (IPR018515) of the encoded protein sequence. Four of five in-silico tools predict a damaging effect of the variant on protein function. The variant was absent in 250532 control chromosomes (gnomAD). The available data on variant occurrences in the general population are insufficient to allow any conclusion about variant significance. To our knowledge, no occurrence of c.2470C>T in individuals affected with Tuberous Sclerosis Complex and no experimental evidence demonstrating its impact on protein function have been reported. One clinical diagnostic laboratory has submitted a clinical-significance assessment for this variant to ClinVar after 2014 and classified the variant as uncertain significance. Based on the evidence outlined above, the variant was classified as uncertain significance.

Labcorp Genetics (formerly Invitae), Labcorp
Classification: Uncertain significance for Tuberous sclerosis 2. Last evaluated: 2019-10-24. Review status: criteria provided, single submitter. Criteria: Invitae Variant Classification Sherloc (09022015). Collection method: clinical testing. Allele origin: germline.
Comment: In summary, the available evidence is currently insufficient to determine the role of this variant in disease. Therefore, it has been classified as a Variant of Uncertain Significance. Algorithms developed to predict the effect of missense changes on protein structure and function are either unavailable or do not agree on the potential impact of this missense change (SIFT: "Deleterious"; PolyPhen-2: "Probably Damaging"; Align-GVGD: "Class C0"). This variant has not been reported in the literature in individuals with TSC2-related disease. This variant is not present in population databases (ExAC no frequency). This sequence change replaces proline with serine at codon 824 of the TSC2 protein (p.Pro824Ser). The proline residue is highly conserved and there is a moderate physicochemical difference between proline and serine.